The following is an entry in ClinVar:

NM_152564.5(VPS13B):c.3077del (p.Val1026fs)

Gene: VPS13B (vacuolar protein sorting 13 homolog B; plus strand). Cytogenetic location: 8q22.2.
Variant type: Deletion.
Coding change: c.3077del on transcript NM_152564.5 (MANE Select); coding-DNA position 3077, one base deleted (T; older notation c.3077delT).
Protein change: p.Val1026fs; shifts the reading frame from valine 1026.
Molecular consequence: frameshift variant.
Genome position (GRCh38, 1-based): chr8:99,391,699, T deleted. VCF-style (leftmost placement, unchanged base first): chr8-99391698-GT-G. GRCh37 (hg19) VCF-style: chr8-100403926-GT-G.
Other names: c.3077del, p.Val1026fs (NM_017890.5); short protein forms V1026fs.
Identifiers: ClinVar variation 4732853 (VCV004732853.1).
Genomic context (GRCh38, chr8:99,391,698, plus strand): 5'-GCAAAGCAGCAATCATATCAGGCCTCTGAATATGCCAGCAGCCCTGTAAAAACAAAAACG[GT>G]AACAGGTATGTGTCAAGTACTGTAAAGGGACTATGATTGTACTCTACTTCTAAGCTAGCA-3'

ClinVar aggregate classification (germline): Pathogenic (1 of 4 stars; one submission).

Conditions:
Cohen syndrome (COH1). Also called: PEPPER SYNDROME; Cutis verticis gyrata, retinitis pigmentosa, and sensorineural deafness. Identifiers: Orphanet 193, MedGen C0265223, MONDO:0008999, OMIM 216550.

Submission:

Labcorp Genetics (formerly Invitae), Labcorp
Classification: Pathogenic for Cohen syndrome. Last evaluated: 2025-12-16. Review status: criteria provided, single submitter. Criteria: Invitae Variant Classification Sherloc (09022015). Collection method: clinical testing. Allele origin: germline.
Comment: This sequence change creates a premature translational stop signal (p.Val1026Glufs*15) in the VPS13B gene. It is expected to result in an absent or disrupted protein product. Loss-of-function variants in VPS13B are known to be pathogenic (PMID: 15141358, 16648375, 20461111). This variant is not present in population databases (gnomAD no frequency). This variant has not been reported in the literature in individuals affected with VPS13B-related conditions. For these reasons, this variant has been classified as Pathogenic.

Literature cited by the submitters: PubMed 15141358; PubMed 16648375; PubMed 20461111.